The following is an entry in ClinVar:

ClinVar aggregate classification (germline): Uncertain significance (1 of 4 stars; one submission).

Conditions:
Hereditary cancer-predisposing syndrome. Also called: Neoplastic Syndromes, Hereditary; Tumor predisposition; Hereditary Cancer Syndrome; Hereditary neoplastic syndrome. Identifiers: Orphanet 140162, MedGen C0027672, MeSH D009386, MONDO:0015356.

Submission:

Ambry Genetics
Classification: Uncertain significance for Hereditary cancer-predisposing syndrome. Last evaluated: 2026-02-25. Review status: criteria provided, single submitter. Criteria: Ambry Variant Classification Scheme 2023. Collection method: clinical testing. Allele origin: germline.
Comment: The p.R549W variant (also known as c.1645A>T), located in coding exon 13 of the APC gene, results from an A to T substitution at nucleotide position 1645. The arginine at codon 549 is replaced by tryptophan, an amino acid with dissimilar properties. This amino acid position is conserved. In addition, in silico predictors for this gene do not accurately predict pathogenicity. Based on the available evidence, the clinical significance of this variant remains unclear.

NM_000038.6(APC):c.1645A>T (p.Arg549Trp)

Gene: APC (APC regulator of Wnt signaling pathway; plus strand). Cytogenetic location: 5q22.2.
Variant type: single nucleotide variant.
Coding change: c.1645A>T on transcript NM_000038.6 (MANE Select); coding-DNA position 1645, A replaced by T.
Protein change: p.Arg549Trp; replaces arginine 549 with tryptophan.
Molecular consequence: missense variant.
Genome position (GRCh38, 1-based): chr5:112,828,874, A>T. VCF-style: chr5-112828874-A-T. GRCh37 (hg19) VCF-style: chr5-112164571-A-T.
Other names: c.1591A>T, p.Arg531Trp (NM_001127511.3); c.1645A>T, p.Arg549Trp (NM_001354895.2, NM_001407450.1, NM_001127510.3); c.1699A>T, p.Arg567Trp (NM_001354896.2, NM_001407449.1, NM_001407447.1 and 1 more transcripts); c.1675A>T, p.Arg559Trp (NM_001354897.2); c.1570A>T, p.Arg524Trp (NM_001354898.2); c.1561A>T, p.Arg521Trp (NM_001354899.2); c.1624A>T, p.Arg542Trp (NM_001407451.1); c.1615A>T, p.Arg539Trp (NM_001407452.1); and 11 more; short protein forms R165W, R266W, R423W, R490W, R521W, R531W, R420W, R458W.
Identifiers: ClinVar variation 4827283 (VCV004827283.1).